The following is an entry in ClinVar:

NM_001927.4(DES):c.823A>C (p.Arg275=)

Gene: DES (desmin; plus strand). Cytogenetic location: 2q35.
Variant type: single nucleotide variant.
Coding change: c.823A>C on transcript NM_001927.4 (MANE Select); coding-DNA position 823, A replaced by C.
Protein change: p.Arg275=; no amino-acid change (arginine 275 retained).
Molecular consequence: synonymous variant. On other transcripts: intron variant (1).
Genome position (GRCh38, 1-based): chr2:219,420,582, A>C. VCF-style: chr2-219420582-A-C. GRCh37 (hg19) VCF-style: chr2-220285304-A-C.
Other names: c.820A>C, p.Arg274= (NM_001382708.1); c.823A>C, p.Arg275= (NM_001382710.1, NM_001382711.1, NM_001382712.1); c.553A>C, p.Arg185= (NM_001382713.1); c.735+236A>C (NM_001382709.1).
Identifiers: ClinVar variation 1965660 (VCV001965660.5), dbSNP rs994389035, ClinGen allele CA431427649.

ClinVar aggregate classification (germline): Uncertain significance (1 of 4 stars; one submission).

Conditions:
Desmin-related myofibrillar myopathy (MFM1). Also called: Desminopathy; MYOFIBRILLAR MYOPATHY WITH ARRHYTHMOGENIC RIGHT VENTRICULAR CARDIOMYOPATHY; DESMIN-RELATED MYOPATHY WITH ARRHYTHMOGENIC RIGHT VENTRICULAR CARDIOMYOPATHY; Myofibrillar myopathy 1; Desmin related myopathy (former name); Desmin storage myopathy (former name). Identifiers: Orphanet 363543, Orphanet 98909, MedGen C1832370, MONDO:0011076, OMIM 601419.

Submission:

Labcorp Genetics (formerly Invitae), Labcorp
Classification: Uncertain significance for Desmin-related myofibrillar myopathy. Last evaluated: 2022-02-20. Review status: criteria provided, single submitter. Criteria: Invitae Variant Classification Sherloc (09022015). Collection method: clinical testing. Allele origin: germline.
Comment: In summary, the available evidence is currently insufficient to determine the role of this variant in disease. Therefore, it has been classified as a Variant of Uncertain Significance. Algorithms developed to predict the effect of sequence changes on RNA splicing suggest that this variant may disrupt the consensus splice site. This variant has not been reported in the literature in individuals affected with DES-related conditions. This variant is not present in population databases (gnomAD no frequency). This sequence change affects codon 275 of the DES mRNA. It is a 'silent' change, meaning that it does not change the encoded amino acid sequence of the DES protein.